The following is an entry in ClinVar:

NM_138387.4(G6PC3):c.289G>A (p.Val97Ile)

Gene: G6PC3 (glucose-6-phosphatase catalytic subunit 3; plus strand). Cytogenetic location: 17q21.31.
Variant type: single nucleotide variant.
Coding change: c.289G>A on transcript NM_138387.4 (MANE Select); coding-DNA position 289, G replaced by A.
Protein change: p.Val97Ile; replaces valine 97 with isoleucine.
Molecular consequence: missense variant. On other transcripts: 5 prime UTR variant (4).
Genome position (GRCh38, 1-based): chr17:44,074,230, G>A. VCF-style: chr17-44074230-G-A. GRCh37 (hg19) VCF-style: chr17-42151598-G-A.
Other names: c.289G>A, p.Val97Ile (NM_001319945.2); c.-57G>A (NM_001384165.1, NM_001384166.1, NM_001384167.1 and 1 more transcripts); short protein forms V97I.
Identifiers: ClinVar variation 3852338 (VCV003852338.1).

ClinVar aggregate classification (germline): Uncertain significance (1 of 4 stars; one submission).

Conditions:
Inborn genetic diseases. Identifiers: MedGen C0950123, MeSH D030342.

gnomAD v4.1: 2 of 1,613,776 alleles (0.00012%); highest among the groups gnomAD compares: Admixed American, 0.0017%; no homozygotes.

Submission:

Ambry Genetics
Classification: Uncertain significance for Inborn genetic diseases. Last evaluated: 2025-01-06. Review status: criteria provided, single submitter. Criteria: Ambry Variant Classification Scheme 2023. Collection method: clinical testing. Allele origin: germline.
Comment: The p.V97I variant (also known as c.289G>A), located in coding exon 2 of the G6PC3 gene, results from a G to A substitution at nucleotide position 289. The valine at codon 97 is replaced by isoleucine, an amino acid with highly similar properties. This amino acid position is conserved. In addition, this alteration is predicted to be tolerated by in silico analysis. Based on the available evidence, the clinical significance of this variant remains unclear.